The following is an entry in ClinVar:

NM_006206.6(PDGFRA):c.935A>C (p.Lys312Thr)

Gene: PDGFRA (platelet derived growth factor receptor alpha; plus strand). Cytogenetic location: 4q12.
Variant type: single nucleotide variant.
Coding change: c.935A>C on transcript NM_006206.6 (MANE Select); coding-DNA position 935, A replaced by C.
Protein change: p.Lys312Thr; replaces lysine 312 with threonine.
Molecular consequence: missense variant.
Genome position (GRCh38, 1-based): chr4:54,267,555, A>C. VCF-style: chr4-54267555-A-C. GRCh37 (hg19) VCF-style: chr4-55133722-A-C.
Other names: c.935A>C, p.Lys312Thr (NM_001347827.2, NM_001347829.2); c.1010A>C, p.Lys337Thr (NM_001347828.2); c.974A>C, p.Lys325Thr (NM_001347830.2); short protein forms K337T, K312T, K325T.
Identifiers: ClinVar variation 1436130 (VCV001436130.8), dbSNP rs2110266263, ClinGen allele CA356891439.

ClinVar aggregate classification (germline): Uncertain significance (1 of 4 stars; one submission).

Conditions:
Gastrointestinal stromal tumor. Also called: Gastrointestinal stroma tumor; Gastrointestinal stromal tumor, somatic. Identifiers: Orphanet 44890, MedGen C0238198, MeSH D046152, MONDO:0011719, OMIM 606764, HP:0100723.

Submission:

Labcorp Genetics (formerly Invitae), Labcorp
Classification: Uncertain significance for Gastrointestinal stromal tumor. Last evaluated: 2024-03-06. Review status: criteria provided, single submitter. Criteria: Invitae Variant Classification Sherloc (09022015). Collection method: clinical testing. Allele origin: germline.
Comment: This sequence change replaces lysine, which is basic and polar, with threonine, which is neutral and polar, at codon 312 of the PDGFRA protein (p.Lys312Thr). This variant is not present in population databases (gnomAD no frequency). This variant has not been reported in the literature in individuals affected with PDGFRA-related conditions. ClinVar contains an entry for this variant (Variation ID: 1436130). Advanced modeling of protein sequence and biophysical properties (such as structural, functional, and spatial information, amino acid conservation, physicochemical variation, residue mobility, and thermodynamic stability) performed at Invitae indicates that this missense variant is not expected to disrupt PDGFRA protein function with a negative predictive value of 80%. In summary, the available evidence is currently insufficient to determine the role of this variant in disease. Therefore, it has been classified as a Variant of Uncertain Significance.